The following is an entry in ClinVar:

ClinVar aggregate classification (germline): Benign/Likely benign. Review status: criteria provided, multiple submitters, no conflicts (2 of 4 stars). 6 submissions from 5 submitters: Benign (2); Likely benign (4). Last evaluated 2026-01-29.

Conditions:
Brain small vessel disease 1 with or without ocular anomalies (BSVD1). Also called: PORENCEPHALY, TYPE 1, AUTOSOMAL DOMINANT; Brain small vessel disease with or without ocular anomalies; GOULD SYNDROME 1; BRAIN SMALL VESSEL DISEASE WITH HEMORRHAGE. Identifiers: Orphanet 2940, Orphanet 36383, Orphanet 99810, MedGen C4755307, MONDO:0008289, OMIM 175780.
Autosomal dominant familial hematuria-retinal arteriolar tortuosity-contractures syndrome. Also called: Hereditary Angiopathy with Nephropathy, Aneurysms, and Muscle Cramps (HANAC) Syndrome; Angiopathy, hereditary, with nephropathy, aneurysms, and muscle cramps. Identifiers: Orphanet 73229, MedGen C2673195, MONDO:0012726, OMIM 611773.
Microangiopathy and leukoencephalopathy, pontine, autosomal dominant. Also called: DEMENTIA, HEREDITARY MULTI-INFARCT, SWEDISH TYPE; Pontine autosomal dominant microangiopathy with leukoencephalopathy. Identifiers: Orphanet 477749, MedGen C5231411, MONDO:0032814, OMIM 618564.
Hemorrhage, intracerebral, susceptibility to (ICH). Also called: Stroke, hemorrhagic, susceptibility to. Identifiers: MedGen C3281105, MONDO:0100533, OMIM 614519.
Retinal arterial tortuosity. Also called: RETINAL HEMORRHAGE WITH VASCULAR TORTUOSITY; Retinal arteries, tortuosity of. Identifiers: Orphanet 75326, MedGen C0423401, MONDO:0008373, OMIM 180000, HP:0000631.

Allele frequency attached by ClinVar (database versions not stated): ExAC 0.00012; gnomAD exomes 0.00015 and 0.00040; 1000 Genomes Project 0.00020; gnomAD 0.00022; TOPMed 0.00022; 1000 Genomes Project 30x 0.00031; ESP Exome Variant Server 0.00031.
gnomAD v4.1: 628 of 1,613,376 alleles (0.039%); highest among the groups gnomAD compares: Non-Finnish European, 0.049%; 1 homozygote.

Submissions (6):

Labcorp Genetics (formerly Invitae), Labcorp
Classification: Likely benign. Last evaluated: 2026-01-29. Review status: criteria provided, single submitter. Criteria: Invitae Variant Classification Sherloc (09022015). Collection method: clinical testing. Allele origin: germline.

Blueprint Genetics
Classification: Likely benign. Last evaluated: 2024-11-20. Review status: criteria provided, single submitter. Criteria: ACMG Guidelines, 2015. Collection method: clinical testing. Allele origin: germline.

Fulgent Genetics
Classification: Likely benign for Brain small vessel disease 1 with or without ocular anomalies; Retinal arterial tortuosity; Autosomal dominant familial hematuria-retinal arteriolar tortuosity-contractures syndrome; Hemorrhage, intracerebral, susceptibility to; Microangiopathy and leukoencephalopathy, pontine, autosomal dominant. Last evaluated: 2021-07-15. Review status: criteria provided, single submitter. Criteria: ACMG Guidelines, 2015. Collection method: clinical testing. Allele origin: unknown.

GeneDx
Classification: Likely benign. Last evaluated: 2021-04-23. Review status: criteria provided, single submitter. Criteria: GeneDx Variant Classification Process June 2021. Collection method: clinical testing. Allele origin: germline. Affected: yes.

Illumina Laboratory Services, Illumina
Classification: Benign for Autosomal dominant familial hematuria-retinal arteriolar tortuosity-contractures syndrome. Last evaluated: 2018-01-13. Review status: criteria provided, single submitter. Criteria: ICSL Variant Classification Criteria 13 December 2019. Collection method: clinical testing. Allele origin: germline.
Comment: This variant was observed in the ICSL laboratory as part of a predisposition screen in an ostensibly healthy population. It had not been previously curated by ICSL or reported in the Human Gene Mutation Database (HGMD: prior to June 1st, 2018), and was therefore a candidate for classification through an automated scoring system. Utilizing variant allele frequency, disease prevalence and penetrance estimates, and inheritance mode, an automated score was calculated to assess if this variant is too frequent to cause the disease. Based on the score and internal cut-off values, a variant classified as benign is not then subjected to further curation. The score for this variant resulted in a classification of benign for this disease.

Illumina Laboratory Services, Illumina
Classification: Benign for Brain small vessel disease 1 with or without ocular anomalies. Last evaluated: 2018-01-13. Review status: criteria provided, single submitter. Criteria: ICSL Variant Classification Criteria 13 December 2019. Collection method: clinical testing. Allele origin: germline.
Comment: the same text as in the submission from Illumina Laboratory Services, Illumina above.

NM_001845.6(COL4A1):c.781-12G>A

Gene: COL4A1 (collagen type IV alpha 1 chain; minus strand). Cytogenetic location: 13q34.
Variant type: single nucleotide variant.
Coding change: c.781-12G>A on transcript NM_001845.6 (MANE Select); 12 bases into the intron before coding-DNA position 781, G replaced by A.
Molecular consequence: intron variant.
Genome position (GRCh38, 1-based): chr13:110,206,903, C>T on the plus strand (G>A on the coding strand, the complement: COL4A1 is on the minus strand). VCF-style: chr13-110206903-C-T. GRCh37 (hg19) VCF-style: chr13-110859250-C-T.
Other names: c.781-12G>A (NM_001303110.2).
Identifiers: ClinVar variation 311071 (VCV000311071.19), dbSNP rs202198648, ClinGen allele CA7048324.
Genomic context (GRCh38, chr13:110,206,903, plus strand): 5'-TAGGCAGAAACTGAGTACTGACCTGAAATCCAGGTTCACCTTTTTGGCCCTGAAAGAATT[C>T]GAGAGACAGATCAGCACTATCAAACAGCTGTATCATTTGTTATATGCTGCATTAAACACA-3'